The following is an entry in ClinVar:

NM_022124.6(CDH23):c.4299T>A (p.Pro1433=)

Gene: CDH23 (cadherin related 23; plus strand). Cytogenetic location: 10q22.1.
Variant type: single nucleotide variant.
Coding change: c.4299T>A on transcript NM_022124.6 (MANE Select); coding-DNA position 4299, T replaced by A.
Protein change: p.Pro1433=; no amino-acid change (proline 1433 retained).
Molecular consequence: synonymous variant.
Genome position (GRCh38, 1-based): chr10:71,738,587, T>A. VCF-style: chr10-71738587-T-A. GRCh37 (hg19) VCF-style: chr10-73498344-T-A.
Other names: p.P1433P:CCT>CCA; p.Pro1433=.
Identifiers: ClinVar variation 45942 (VCV000045942.26), dbSNP rs12218559, ClinGen allele CA137422.
Genomic context (GRCh38, chr10:71,738,587, plus strand): 5'-CAACAGCCCCCGGTTTGACTTCACCTCCGACTCGGCGGTCAGCATACCCGAGGACTGCCC[T>A]GTGGGCCAGCGAGTGGCTACTGTCAAGGCCTGGGACCCTGATGCTGGCAGCAATGGGCAG-3'
Protein context (NP_071407.4, residues 1423-1443): DSAVSIPEDC[Pro1433=]VGQRVATVKA

ClinVar aggregate classification (germline): Benign. Review status: criteria provided, multiple submitters, no conflicts (2 of 4 stars). 12 submissions from 10 submitters: Benign (11). 1 of the submissions does not count toward it. Last evaluated 2026-06-19.

Conditions:
Usher syndrome type 1 (USH1). Also called: RETINITIS PIGMENTOSA AND CONGENITAL DEAFNESS. Identifiers: Orphanet 231169, Orphanet 886, MedGen C1568247, MONDO:0010168, OMIM 276900.
Autosomal recessive nonsyndromic hearing loss 12. Also called: DEAFNESS, AUTOSOMAL RECESSIVE 12. Identifiers: Orphanet 90636, MedGen C1832394, MONDO:0011067, OMIM 601386.
Usher syndrome type 1D (USH1D). Also called: USHER SYNDROME, TYPE ID. Identifiers: Orphanet 231169, Orphanet 886, MedGen C1832845, MONDO:0010984, OMIM 601067.

Allele frequency attached by ClinVar (database versions not stated): 1000 Genomes Project 0.05631; TOPMed 0.02943; 1000 Genomes Project 30x 0.05450; gnomAD 0.02036 and 0.01724; ExAC 0.03768; gnomAD exomes 0.04437; ESP Exome Variant Server 0.00324.
gnomAD v4.1: 24,762 of 1,613,860 alleles (1.5%); highest among the groups gnomAD compares: East Asian, 20%; 1,910 homozygotes.

Submissions (12):

Women's Health and Genetics/Laboratory Corporation of America, LabCorp
Classification: Benign. Last evaluated: 2026-06-19. Review status: criteria provided, single submitter. Criteria: LabCorp Variant Classification Summary - May 2015. Collection method: clinical testing. Allele origin: germline.

Labcorp Genetics (formerly Invitae), Labcorp
Classification: Benign. Last evaluated: 2026-02-04. Review status: criteria provided, single submitter. Criteria: Invitae Variant Classification Sherloc (09022015). Collection method: clinical testing. Allele origin: germline.

Mayo Clinic Laboratories, Mayo Clinic
Classification: Benign. Last evaluated: 2022-04-17. Review status: criteria provided, single submitter. Criteria: ACMG Guidelines, 2015. Collection method: clinical testing. Allele origin: germline. Observed: 10 variant alleles.

Genome-Nilou Lab
Classification: Benign for Usher syndrome type 1D. Last evaluated: 2021-07-01. Review status: criteria provided, single submitter. Criteria: ACMG Guidelines, 2015. Collection method: clinical testing. Allele origin: germline. Affected: no.

Genome-Nilou Lab
Classification: Benign for Autosomal recessive nonsyndromic hearing loss 12. Last evaluated: 2021-07-01. Review status: criteria provided, single submitter. Criteria: ACMG Guidelines, 2015. Collection method: clinical testing. Allele origin: germline. Affected: no.

Illumina Laboratory Services, Illumina
Classification: Benign for Usher syndrome type 1D. Last evaluated: 2018-01-12. Review status: criteria provided, single submitter. Criteria: ICSL Variant Classification Criteria 13 December 2019. Collection method: clinical testing. Allele origin: germline.
Comment: This variant was observed in the ICSL laboratory as part of a predisposition screen in an ostensibly healthy population. It had not been previously curated by ICSL or reported in the Human Gene Mutation Database (HGMD: prior to June 1st, 2018), and was therefore a candidate for classification through an automated scoring system. Utilizing variant allele frequency, disease prevalence and penetrance estimates, and inheritance mode, an automated score was calculated to assess if this variant is too frequent to cause the disease. Based on the score and internal cut-off values, a variant classified as benign is not then subjected to further curation. The score for this variant resulted in a classification of benign for this disease.

Illumina Laboratory Services, Illumina
Classification: Benign for Autosomal recessive nonsyndromic hearing loss 12. Last evaluated: 2018-01-12. Review status: criteria provided, single submitter. Criteria: ICSL Variant Classification Criteria 13 December 2019. Collection method: clinical testing. Allele origin: germline.
Comment: the same text as in the submission from Illumina Laboratory Services, Illumina above.

Eurofins Ntd Llc (ga)
Classification: Benign. Last evaluated: 2013-10-08. Review status: criteria provided, single submitter. Criteria: EGL Classification Definitions 2015. Collection method: clinical testing. Allele origin: germline. Observed: 1 variant allele, 1 heterozygote.

GeneDx
Classification: Benign. Last evaluated: 2013-03-05. Review status: criteria provided, single submitter. Criteria: GeneDx Variant Classification (06012015). Collection method: clinical testing. Allele origin: germline. Affected: yes.
Comment: This variant is considered likely benign or benign based on one or more of the following criteria: it is a conservative change, it occurs at a poorly conserved position in the protein, it is predicted to be benign by multiple in silico algorithms, and/or has population frequency not consistent with disease.

Laboratory for Molecular Medicine, Mass General Brigham Personalized Medicine
Classification: Benign. Last evaluated: 2009-06-12. Review status: criteria provided, single submitter. Criteria: LMM Criteria. Collection method: clinical testing. Allele origin: germline. Observed: 135 variant alleles.

Breakthrough Genomics
Classification: Benign. Review status: criteria provided, single submitter. Criteria: ACMG Guidelines, 2015. Collection method: not provided. Allele origin: germline. Inheritance: Autosomal recessive inheritance. Affected: yes.

Natera, Inc.
Classification: Benign for Usher syndrome type 1. Last evaluated: 2020-09-16. Review status: no assertion criteria provided. Collection method: clinical testing. Allele origin: germline. Not counted in ClinVar's aggregate classification.

Literature cited by the submitters: PubMed 18429043 (cited by Laboratory for Molecular Medicine, Mass General Brigham Personalized Medicine); PubMed 17850630 (cited by Laboratory for Molecular Medicine, Mass General Brigham Personalized Medicine); PubMed 12075507 (cited by Laboratory for Molecular Medicine, Mass General Brigham Personalized Medicine).